The following is an entry in ClinVar:

NM_005033.3(EXOSC9):c.217G>A (p.Glu73Lys)

Gene: EXOSC9 (exosome component 9; plus strand). Cytogenetic location: 4q27.
Variant type: single nucleotide variant.
Coding change: c.217G>A on transcript NM_005033.3 (MANE Select); coding-DNA position 217, G replaced by A.
Protein change: p.Glu73Lys; replaces glutamic acid 73 with lysine.
Molecular consequence: missense variant.
Genome position (GRCh38, 1-based): chr4:121,802,729, G>A. VCF-style: chr4-121802729-G-A. GRCh37 (hg19) VCF-style: chr4-122723884-G-A.
Other names: c.217G>A, p.Glu73Lys (NM_001034194.2); short protein forms E73K.
Identifiers: ClinVar variation 1968502 (VCV001968502.2), dbSNP rs970205798, ClinGen allele CA104728470.

ClinVar aggregate classification (germline): Uncertain significance (1 of 4 stars; one submission).

Allele frequency attached by ClinVar (database versions not stated): gnomAD exomes below 0.00001; TOPMed 0.00002; gnomAD 0.00003.
gnomAD v4.1: 8 of 1,614,004 alleles (0.0005%); highest among the groups gnomAD compares: African/African-American, 0.004%; no homozygotes.

Submission:

Labcorp Genetics (formerly Invitae), Labcorp
Classification: Uncertain significance. Last evaluated: 2022-06-24. Review status: criteria provided, single submitter. Criteria: Invitae Variant Classification Sherloc (09022015). Collection method: clinical testing. Allele origin: germline.
Comment: This sequence change replaces glutamic acid, which is acidic and polar, with lysine, which is basic and polar, at codon 73 of the EXOSC9 protein (p.Glu73Lys). This variant is not present in population databases (gnomAD no frequency). This variant has not been reported in the literature in individuals affected with EXOSC9-related conditions. Algorithms developed to predict the effect of missense changes on protein structure and function (SIFT, PolyPhen-2, Align-GVGD) all suggest that this variant is likely to be disruptive. Algorithms developed to predict the effect of sequence changes on RNA splicing suggest that this variant may create or strengthen a splice site. In summary, the available evidence is currently insufficient to determine the role of this variant in disease. Therefore, it has been classified as a Variant of Uncertain Significance.